The following is an entry in ClinVar:

ClinVar aggregate classification (germline): Likely benign. Review status: criteria provided, multiple submitters, no conflicts (2 of 4 stars). 2 submissions from 2 submitters: Likely benign (2). Last evaluated 2025-08-11.

Conditions:
Hypertrophic cardiomyopathy 14. Identifiers: MedGen C2750467, MONDO:0013197, OMIM 613251.

Allele frequency attached by ClinVar (database versions not stated): gnomAD exomes below 0.00001; gnomAD 0.00003.

Submissions (2):

Labcorp Genetics (formerly Invitae), Labcorp
Classification: Likely benign for Hypertrophic cardiomyopathy 14. Last evaluated: 2025-08-11. Review status: criteria provided, single submitter. Criteria: Invitae Variant Classification Sherloc (09022015). Collection method: clinical testing. Allele origin: germline.

Women's Health and Genetics/Laboratory Corporation of America, LabCorp
Classification: Likely benign. Last evaluated: 2025-06-23. Review status: criteria provided, single submitter. Criteria: LabCorp Variant Classification Summary - May 2015. Collection method: clinical testing. Allele origin: germline.
Comment: Variant summary: MYH6 c.3979-7_3979-6insGC alters a nucleotide located at a position not widely known to affect splicing. Consensus agreement among computation tools predict no significant impact on normal splicing. However, these predictions have yet to be confirmed by functional studies. The frequency data for this variant in gnomAD is considered unreliable, as metrics indicate poor data quality at this position. To our knowledge, no occurrence of c.3979-7_3979-6insGC in individuals affected with Cardiomyopathy and no experimental evidence demonstrating its impact on protein function have been reported. ClinVar contains an entry for this variant (Variation ID: 2765466). Based on the evidence outlined above, the variant was classified as likely benign.

NM_002471.4(MYH6):c.3979-7_3979-6insGC

Gene: MYH6 (myosin heavy chain 6; minus strand). Cytogenetic location: 14q11.2.
Variant type: Insertion.
Coding change: c.3979-7_3979-6insGC on transcript NM_002471.4 (MANE Select); 7 bases into the intron before coding-DNA position 3979 through 6 bases into the intron before coding-DNA position 3979, GC inserted.
Molecular consequence: intron variant.
Genome position: GRCh38 VCF-style: chr14-23389061-G-GGC. GRCh37 (hg19) VCF-style: chr14-23858270-G-GGC.
Identifiers: ClinVar variation 2765466 (VCV002765466.4), dbSNP rs1566507498, ClinGen allele CA613317467.
Genomic context (GRCh38, chr14:23,389,061, plus strand): 5'-GCAGGTCGCAGTCATGCCGGGCCGACTGCAGTGCATGGGCCAGGGCGTTCTTCGCCTGGG[G>GGC]AGGGGGGGGGGCACCAGGAGGTGGGAGGGACTCCCTGTGCCCCATTCTCTAGATTCTCTT-3'